The following is an entry in ClinVar:

ClinVar aggregate classification (germline): Uncertain significance. Review status: criteria provided, multiple submitters, no conflicts (2 of 4 stars). 3 submissions from 3 submitters: Uncertain significance (3). Last evaluated 2025-02-05.

Conditions:
Hereditary cancer-predisposing syndrome. Also called: Hereditary neoplastic syndrome; Hereditary Cancer Syndrome; Neoplastic Syndromes, Hereditary; Tumor predisposition. Identifiers: Orphanet 140162, MedGen C0027672, MeSH D009386, MONDO:0015356.
Multiple endocrine neoplasia, type 2 (MEN2). Identifiers: Orphanet 653, MedGen C4048306, MONDO:0019003. Disease mechanism: gain of function.

Submissions (3):

Ambry Genetics
Classification: Uncertain significance for Hereditary cancer-predisposing syndrome. Last evaluated: 2025-02-05. Review status: criteria provided, single submitter. Criteria: Ambry Variant Classification Scheme 2023. Collection method: clinical testing. Allele origin: germline.
Comment: The p.E805K variant (also known as c.2413G>A), located in coding exon 14 of the RET gene, results from a G to A substitution at nucleotide position 2413. The glutamic acid at codon 805 is replaced by lysine, an amino acid with similar properties. This alteration has been reported in an individual with Multiple Endocrine Neoplasia Type 2; however, this individual also carried another RET mutation, p.V804M (Cranston AN et al. Cancer Res, 2006 Oct;66:10179-87). This amino acid position is highly conserved in available vertebrate species. In addition, this alteration is predicted to be deleterious by in silico analysis. Based on the available evidence, the clinical significance of this variant remains unclear.

Labcorp Genetics (formerly Invitae), Labcorp
Classification: Uncertain significance for Multiple endocrine neoplasia, type 2. Last evaluated: 2024-10-07. Review status: criteria provided, single submitter. Criteria: Invitae Variant Classification Sherloc (09022015). Collection method: clinical testing. Allele origin: germline.
Comment: This sequence change replaces glutamic acid, which is acidic and polar, with lysine, which is basic and polar, at codon 805 of the RET protein (p.Glu805Lys). This variant is not present in population databases (gnomAD no frequency). This missense change has been observed in individual(s) with multiple endocrine neoplasia type 2, who has an alternate genetic cause of disease (RET, c.2410G>A (p.Val804Met)) (PMID: 17047083). An algorithm developed to predict the effect of missense changes on protein structure and function (PolyPhen-2) suggests that this variant is likely to be disruptive. Experimental studies are conflicting or provide insufficient evidence to determine the effect of this variant on RET function (PMID: 17047083). In summary, the available evidence is currently insufficient to determine the role of this variant in disease. Therefore, it has been classified as a Variant of Uncertain Significance.

All of Us Research Program, National Institutes of Health
Classification: Uncertain significance for Multiple endocrine neoplasia, type 2. Last evaluated: 2023-05-16. Review status: criteria provided, single submitter. Criteria: ACMG Guidelines, 2015. Collection method: clinical testing. Allele origin: germline. Inheritance: Autosomal dominant inheritance. Observed: 1 variant allele, 1 heterozygote.
Comment: This missense variant replaces glutamic acid with lysine at codon 805 of the RET protein. Computational prediction suggests that this variant may have deleterious impact on protein structure and function (internally defined REVEL score threshold >= 0.7, PMID: 27666373). This variant is located adjacent to valine at codon 804, where missense mutations p.Val804Met and p.Val804Leu, have been reported to confer moderate risk for MEN2A (PMIDI: 33603219). A functional study has reported that this variant when present in combination (in cis) with p.Val804Met, activates the transforming activity of the variant RET protein in ex vivo cells, as compared to milder activation seen when either missense variant is present alone (PMID: 17047083). This variant has been reported in an individual with p.Val804Met in cis who was diagnosed with MEN2B (PMID: 1704708). This variant has not been identified in the general population by the Genome Aggregation Database (gnomAD). The available evidence is insufficient to determine the role of this variant in disease conclusively. Therefore, this variant is classified as a Variant of Uncertain Significance.

This study involves interpretation of variants in research participants for the purpose of population health screening. Participant phenotype was not available at the time of variant classification. Additional details can be found in publication PMID: 35346344, PMCID: PMC8962531

Literature cited by the submitters: PubMed 17047083 (cited by 3 submitters); PubMed 1704708 (cited by All of Us Research Program, National Institutes of Health).

NM_020975.6(RET):c.2413G>A (p.Glu805Lys)

Gene: RET (ret proto-oncogene; plus strand). Cytogenetic location: 10q11.21.
Variant type: single nucleotide variant.
Coding change: c.2413G>A on transcript NM_020975.6 (MANE Select); coding-DNA position 2413, G replaced by A.
Protein change: p.Glu805Lys; replaces glutamic acid 805 with lysine.
Molecular consequence: missense variant.
Genome position (GRCh38, 1-based): chr10:43,119,551, G>A. VCF-style: chr10-43119551-G-A. GRCh37 (hg19) VCF-style: chr10-43614999-G-A.
Other names: c.2413G>A, p.Glu805Lys (NM_000323.2, NM_001406743.1, NM_001406744.1 and 4 more transcripts); c.1651G>A, p.Glu551Lys (NM_001355216.2); c.2284G>A, p.Glu762Lys (NM_001406761.1, NM_001406762.1, NM_001406764.1); c.2278G>A, p.Glu760Lys (NM_001406763.1, NM_001406765.1); c.2125G>A, p.Glu709Lys (NM_001406766.1, NM_001406767.1, NM_001406770.1); c.2149G>A, p.Glu717Lys (NM_001406768.1); c.2017G>A, p.Glu673Lys (NM_001406769.1, NM_001406772.1); c.1975G>A, p.Glu659Lys (NM_001406771.1, NM_001406773.1); and 10 more; short protein forms E805K, E551K, E463K, E475K, E717K, E370K, E461K, E506K.
Identifiers: ClinVar variation 3071018 (VCV003071018.4), dbSNP rs377767418, ClinGen allele CA008775.